The following is an entry in ClinVar:

NC_012920.1(MT-TC):m.5816A>G

Gene: MT-TC (mitochondrially encoded tRNA cysteine; minus strand).
Variant type: single nucleotide variant.
Genome position: chrM-5816-A-G.
Other names: 5816A-G.
Identifiers: ClinVar variation 30002 (VCV000030002.4), dbSNP rs387906732, ClinGen allele CA128829.

ClinVar aggregate classification (germline): Uncertain significance. Review status: reviewed by expert panel (3 of 4 stars). 4 submissions from 4 submitters: Uncertain significance (1). 3 of the submissions do not count toward it. Last evaluated 2024-04-23.

Conditions:
Dystonia, mitochondrial. Identifiers: MedGen C4016607.
Mitochondrial disease. Also called: Mitochondrial disorders; Mitochondrial disorder. Identifiers: Orphanet 68380, MedGen C0751651, MeSH D028361, MONDO:0044970.
MELAS syndrome (MELAS). Also called: Juvenile myopathy, encephalopathy, lactic acidosis, stroke. Identifiers: Orphanet 550, MedGen C0162671, MONDO:0010789, OMIM 540000.

Submissions (4):

ClinGen Mitochondrial Disease Nuclear and Mitochondrial  Variant Curation Expert Panel, ClinGen
Classification: Uncertain significance for Mitochondrial disease. Last evaluated: 2024-04-23. Review status: reviewed by expert panel. Criteria: clingen mito disease acmg specifications v1-1. Collection method: curation. Allele origin: germline. Inheritance: Mitochondrial inheritance.
Comment: The m.5816A>G variant in MT-TC has been reported in two unrelated families with primary mitochondrial disease (PS4_supporting; PMIDs: 17724295, 37771542). The first reported family had four affected individuals with variable clinical features including dystonia, seizures, tremor, fatigue, ptosis, pigmentary retinopathy, and optic atrophy. Muscle biopsies in these family members showed mosaic COX deficiency, normal respiratory chain enzyme activities, and decreased steady state levels of mt-tRNA Cys. The variant was homoplasmic in muscle and blood in these individuals (PMID: 17724295). Skin fibroblast testing showed reduced basal resting oxygen consumption rate (OCR), ATP production, proton leak, maximal respiration, and reserve capacity OCR. The variant was present in blood and urine but heteroplasmy levels were not reported (PMID: 37771542). The variant was present in additional family members of this second family however phenotypes and heteroplasmy levels were not reported. This variant is absent in the GenBank dataset, Helix dataset, and gnomAD v3.1.2 (PM2_supporting). There are no cybrids, single fiber studies, or other functional assays reported on this variant. The computational predictor MitoTIP suggests this variant is pathogenic (59.9 percentile) and HmtVAR predicts it to be pathogenic score of 0.65 (PP3). In summary, this variant meets criteria to be classified as uncertain significance for primary mitochondrial disease inherited in a mitochondrial manner. This classification was approved by the NICHD/NINDS U24 ClinGen Mitochondrial Disease Variant Curation Expert Panel on April 23, 2024. Mitochondrial DNA-specific ACMG/AMP criteria applied (PMID: 32906214): PS4_supporting, PM2_supporting, PP3.

3billion
Classification: Uncertain significance for MELAS syndrome. Last evaluated: 2025-06-10. Review status: criteria provided, single submitter. Criteria: ACMG Guidelines, 2015. Collection method: clinical testing. Allele origin: germline. Affected: yes. Not counted in ClinVar's aggregate classification.
Comment: The variant is not observed in the gnomAD v4.1.0 dataset. Predicted Consequence/Location: Mitochondrial variant In silico tool predictions suggest damaging effect of the variant on gene or gene product [MitoTIP: 13.55 (>= 12.65)]. The variant has been reported to be associated with MT-TC-related disorder (ClinVar ID: VCV000030002). However, the evidence of pathogenicity is insufficient at this time. Therefore, this variant is classified as VUS according to the recommendation of ACMG/AMP guideline.

Solve-RD Consortium
Classification: Likely pathogenic for MELAS syndrome. Review status: criteria provided, single submitter. Criteria: ACMG/ClinGen CNV Guidelines, 2019. Collection method: provider interpretation. Allele origin: germline. Inheritance: Mitochondrial inheritance. Affected: yes. Study: Solve-RD DIFT-EpiCARE reanalysis. Not counted in ClinVar's aggregate classification.
Comment: PP4, PS4, PM2, PM8

Variant identified during reanalysis of unsolved cases by the Solve-RD project. The Solve-RD project has received funding from the European Union’s Horizon 2020 research and innovation programme under grant agreement No 779257.

OMIM
Classification: Pathogenic for DYSTONIA, MITOCHONDRIAL. Last evaluated: 2007-08-28. Review status: no assertion criteria provided. Collection method: literature only. Allele origin: germline. Not counted in ClinVar's aggregate classification.

Literature cited by the submitters: PubMed 17724295 (cited by 3billion and OMIM).